The following is an entry in ClinVar:

ClinVar aggregate classification (germline): Conflicting classifications of pathogenicity. Review status: criteria provided, conflicting classifications (1 of 4 stars). 4 submissions from 4 submitters: Uncertain significance (1); Benign (1); Likely benign (1). 1 of the submissions does not count toward it. Last evaluated 2025-08-01.

Conditions:
ATXN7-related disorder. Also called: ATXN7-related condition.

Allele frequency attached by ClinVar (database versions not stated): 1000 Genomes Project 0.00060; 1000 Genomes Project 30x 0.00062; gnomAD 0.00148; TOPMed 0.00168; ESP Exome Variant Server 0.00199.
gnomAD v4.1: 2,985 of 1,614,172 alleles (0.18%); highest among the groups gnomAD compares: Non-Finnish European, 0.23%; 2 homozygotes.

Submissions (4):

CeGaT Center for Human Genetics Tuebingen
Classification: Benign. Last evaluated: 2025-08-01. Review status: criteria provided, single submitter. Criteria: CeGaT Center For Human Genetics Tuebingen Variant Classification Criteria Version 2. Collection method: clinical testing. Allele origin: germline. Affected: yes. Observed: 1 variant allele.
Comment: ATXN7: BP4, BS1, BS2

Blueprint Genetics
Classification: Likely benign. Last evaluated: 2024-11-25. Review status: criteria provided, single submitter. Criteria: ACMG Guidelines, 2015. Collection method: clinical testing. Allele origin: germline.

Clinical Genetics Laboratory, Skane University Hospital Lund
Classification: Uncertain significance. Last evaluated: 2022-11-11. Review status: criteria provided, single submitter. Criteria: ACMG Guidelines, 2015. Collection method: clinical testing. Allele origin: germline. Affected: yes.

PreventionGenetics, part of Exact Sciences
Classification: Likely benign for ATXN7-related condition. Last evaluated: 2020-07-28. Review status: no assertion criteria provided. Collection method: clinical testing. Allele origin: germline. Not counted in ClinVar's aggregate classification.
Comment: This variant is classified as likely benign based on ACMG/AMP sequence variant interpretation guidelines (Richards et al. 2015 PMID: 25741868, with internal and published modifications).

NM_001377405.1(ATXN7):c.916A>T (p.Ile306Phe)

Gene: ATXN7 (ataxin 7; plus strand). Cytogenetic location: 3p14.1.
Variant type: single nucleotide variant.
Coding change: c.916A>T on transcript NM_001377405.1 (MANE Select); coding-DNA position 916, A replaced by T.
Protein change: p.Ile306Phe; replaces isoleucine 306 with phenylalanine.
Molecular consequence: missense variant.
Genome position (GRCh38, 1-based): chr3:63,982,349, A>T. VCF-style: chr3-63982349-A-T. GRCh37 (hg19) VCF-style: chr3-63968025-A-T.
Other names: c.916A>T, p.Ile306Phe (NM_000333.4, NM_001177387.1, NM_001377406.1); c.481A>T, p.Ile161Phe (NM_001128149.3); short protein forms I161F, I306F.
Identifiers: ClinVar variation 3033528 (VCV003033528.12), dbSNP rs140270787, ClinGen allele CA2478417.